The following is an entry in ClinVar:

NM_000138.5(FBN1):c.1213C>A (p.Pro405Thr)

Gene: FBN1 (fibrillin 1; minus strand). Cytogenetic location: 15q21.1.
Variant type: single nucleotide variant.
Coding change: c.1213C>A on transcript NM_000138.5 (MANE Select); coding-DNA position 1213, C replaced by A.
Protein change: p.Pro405Thr; replaces proline 405 with threonine.
Molecular consequence: missense variant.
Genome position (GRCh38, 1-based): chr15:48,516,297, G>T on the plus strand (C>A on the coding strand, the complement: FBN1 is on the minus strand). VCF-style: chr15-48516297-G-T. GRCh37 (hg19) VCF-style: chr15-48808494-G-T.
Other names: short protein forms P405T.
Identifiers: ClinVar variation 923423 (VCV000923423.5), dbSNP rs2043800829, ClinGen allele CA392345610.

ClinVar aggregate classification (germline): Uncertain significance (1 of 4 stars; one submission).

Conditions:
Familial thoracic aortic aneurysm and aortic dissection (TAAD). Also called: Thoracic aortic aneurysms and dissections. Identifiers: Orphanet 91387, MedGen C4707243, MONDO:0019625.

Allele frequency attached by ClinVar (database versions not stated): gnomAD exomes below 0.00001.
gnomAD v4.1: 2 of 1,613,770 alleles (0.00012%); highest among the groups gnomAD compares: Non-Finnish European, 0.00017%; no homozygotes.

Submission:

Color Diagnostics, LLC DBA Color Health
Classification: Uncertain significance for Familial thoracic aortic aneurysm and aortic dissection. Last evaluated: 2023-12-04. Review status: criteria provided, single submitter. Criteria: ACMG Guidelines, 2015. Collection method: clinical testing. Allele origin: germline.
Comment: Variant of Uncertain Significance due to insufficient evidence: This missense variant replaces proline with threonine at codon 405 of the FBN1 protein. Computational prediction tools and conservation analyses are inconclusive regarding the impact of this variant on the protein function. Computational splicing tools suggest that this variant may not impact RNA splicing. To our knowledge, functional assays have not been performed for this variant nor has this variant been reported in individuals affected with cardiovascular disorders in the literature. This variant has not been identified in the general population by the Genome Aggregation Database (gnomAD). Available evidence is insufficient to determine the role of this variant in disease conclusively.